The following is an entry in ClinVar:

ClinVar aggregate classification (germline): Uncertain significance (1 of 4 stars; one submission).

Allele frequency attached by ClinVar (database versions not stated): gnomAD 0.00001; TOPMed 0.00001.
gnomAD v4.1: 1 of 1,613,786 alleles (0.000062%); highest among the groups gnomAD compares: African/African-American, 0.0013%; no homozygotes.

Submission:

Labcorp Genetics (formerly Invitae), Labcorp
Classification: Uncertain significance. Last evaluated: 2025-03-31. Review status: criteria provided, single submitter. Criteria: Invitae Variant Classification Sherloc (09022015). Collection method: clinical testing. Allele origin: germline.
Comment: This sequence change replaces phenylalanine, which is neutral and non-polar, with cysteine, which is neutral and slightly polar, at codon 1994 of the RP1 protein (p.Phe1994Cys). This variant is not present in population databases (gnomAD no frequency). This variant has not been reported in the literature in individuals affected with RP1-related conditions. ClinVar contains an entry for this variant (Variation ID: 2203420). An algorithm developed to predict the effect of missense changes on protein structure and function (PolyPhen-2) suggests that this variant is likely to be disruptive. In summary, the available evidence is currently insufficient to determine the role of this variant in disease. Therefore, it has been classified as a Variant of Uncertain Significance.

NM_006269.2(RP1):c.5981T>G (p.Phe1994Cys)

Genes: RP1 (RP1 axonemal microtubule associated; plus strand), LOC126860392 (CDK7 strongly-dependent group 2 enhancer GRCh37_chr8:55541319-55542518; plus strand). Cytogenetic location: 8q12.1.
Variant type: single nucleotide variant.
Coding change: c.5981T>G on transcript NM_006269.2 (MANE Select); coding-DNA position 5981, T replaced by G.
Protein change: p.Phe1994Cys; replaces phenylalanine 1994 with cysteine.
Molecular consequence: missense variant. On other transcripts: intron variant (1).
Genome position (GRCh38, 1-based): chr8:54,629,863, T>G. VCF-style: chr8-54629863-T-G. GRCh37 (hg19) VCF-style: chr8-55542423-T-G.
Other names: c.787+7575T>G (NM_001375654.1); short protein forms F1994C.
Identifiers: ClinVar variation 2203420 (VCV002203420.4), dbSNP rs1295812426, ClinGen allele CA370989744.